The following is an entry in ClinVar:

NM_013276.4(SHPK):c.1360T>G (p.Phe454Val)

Gene: SHPK (sedoheptulokinase; minus strand). Cytogenetic location: 17p13.2.
Variant type: single nucleotide variant.
Coding change: c.1360T>G on transcript NM_013276.4 (MANE Select); coding-DNA position 1360, T replaced by G.
Protein change: p.Phe454Val; replaces phenylalanine 454 with valine.
Molecular consequence: missense variant.
Genome position (GRCh38, 1-based): chr17:3,610,637, A>C on the plus strand (T>G on the coding strand, the complement: SHPK is on the minus strand). VCF-style: chr17-3610637-A-C. GRCh37 (hg19) VCF-style: chr17-3513931-A-C.
Other names: short protein forms F454V.
Identifiers: ClinVar variation 2191631 (VCV002191631.4), dbSNP rs769467522, ClinGen allele CA8291032.

ClinVar aggregate classification (germline): Uncertain significance (1 of 4 stars; one submission).

Allele frequency attached by ClinVar (database versions not stated): gnomAD exomes below 0.00001; TOPMed below 0.00001; ExAC 0.00002.
gnomAD v4.1: 7 of 1,613,860 alleles (0.00043%); highest among the groups gnomAD compares: Admixed American, 0.0083%; no homozygotes.

Submission:

Labcorp Genetics (formerly Invitae), Labcorp
Classification: Uncertain significance. Last evaluated: 2023-05-23. Review status: criteria provided, single submitter. Criteria: Invitae Variant Classification Sherloc (09022015). Collection method: clinical testing. Allele origin: germline.
Comment: This sequence change replaces phenylalanine, which is neutral and non-polar, with valine, which is neutral and non-polar, at codon 454 of the SHPK protein (p.Phe454Val). This variant is present in population databases (rs769467522, gnomAD 0.009%). This variant has not been reported in the literature in individuals affected with SHPK-related conditions. ClinVar contains an entry for this variant (Variation ID: 2191631). An algorithm developed to predict the effect of missense changes on protein structure and function (PolyPhen-2) suggests that this variant is likely to be tolerated. In summary, the available evidence is currently insufficient to determine the role of this variant in disease. Therefore, it has been classified as a Variant of Uncertain Significance.